The following continues an entry in ClinVar:

NM_024675.4(PALB2):c.3362del (p.Gly1121fs)

Gene: PALB2. ClinVar aggregate classification (germline): Likely pathogenic. Likely pathogenic (1).

Submission 24 of 24:

Department of Pathology and Laboratory Medicine, Sinai Health System
Classification: Pathogenic for Malignant tumor of breast. Review status: no assertion criteria provided. Collection method: clinical testing. Allele origin: unknown. Affected: yes. Study: The Canadian Open Genetics Repository (COGR). Not counted in ClinVar's aggregate classification.
Comment: The PALB2 p.Gly1121Valfs*3 variant was identified in 7 of 9236 proband chromosomes (frequency: 0.0008) from individuals or families with hereditary breast and ovarian cancer or pancreatic cancer (Antoniou 2014, Blanco 2013, Castera 2014, Couch 2015, Thompson 2015, Janatova 2013, Johns 2017). The variant was identified in dbSNP (ID: rs515726117 as â€šÃ„ÃºWith Pathogenic alleleâ€šÃ„Ã¹), ClinVar (5x as pathogenic by Ambry Genetics, Invitae, GeneDx, Color Genomics and PALB2 database and 1x as likely pathogenic by Peter MacCallum Cancer Centre), and LOVD 3.0 Database (5x). The variant was not identified in Cosmic, MutDB, or the Zhejiang University Database. The variant was identified in control databases in 1 of 246142 chromosomes at a frequency of 0.000004 (Genome Aggregation Database Feb 27, 2017). The variant was observed in the European (Non-Finnish) population in 1 of 111636 chromosomes (freq: 0.000009), but not in the other populations. The p.Gly1121Valfs*3 variant is predicted to cause a frameshift, which alters the protein's amino acid sequence beginning at codon 1121 and leads to a premature stop codon at position 1123. This alteration is predicted to result in a truncated protein and loss of function. Loss of function variants of the PALB2 gene are an established mechanism of disease in hereditary breast and ovarian cancer and is the type of variant expected to cause the disorder. In summary, based on the above information this variant meets our laboratoryâ€šÃ„Ã´s criteria to be classified as pathogenic.

Literature cited by the submitters: PubMed 23935836 (cited by 8 submitters); PubMed 24136930 (cited by 7 submitters); PubMed 24549055 (cited by 7 submitters); PubMed 25099575 (cited by 5 submitters); PubMed 26283626 (cited by 6 submitters); PubMed 17200668 (cited by Labcorp Genetics (formerly Invitae), Labcorp); PubMed 17200671 (cited by Labcorp Genetics (formerly Invitae), Labcorp); PubMed 21365267 (cited by Labcorp Genetics (formerly Invitae), Labcorp); PubMed 25452441 (cited by 7 submitters); PubMed 26315354 (cited by Labcorp Genetics (formerly Invitae), Labcorp); PubMed 33195396 (cited by Institute for Genomic Medicine (IGM) Clinical Laboratory, Nationwide Children's Hospital); PubMed 26786923 (cited by Ambry Genetics and Quest Diagnostics Nichols Institute San Juan Capistrano); PubMed 29431189 (cited by 4 submitters); PubMed 31636395 (cited by 3 submitters); PubMed 32338768 (cited by Ambry Genetics and Quest Diagnostics Nichols Institute San Juan Capistrano); PubMed 26057125 (cited by Women's Health and Genetics/Laboratory Corporation of America, LabCorp); PubMed 26787237 (cited by Quest Diagnostics Nichols Institute San Juan Capistrano); PubMed 27153395 (cited by Quest Diagnostics Nichols Institute San Juan Capistrano); PubMed 29053726 (cited by Quest Diagnostics Nichols Institute San Juan Capistrano); PubMed 29522266 (cited by Quest Diagnostics Nichols Institute San Juan Capistrano); PubMed 29922827 (cited by Quest Diagnostics Nichols Institute San Juan Capistrano); PubMed 30254378 (cited by Quest Diagnostics Nichols Institute San Juan Capistrano); PubMed 30979843 (cited by Quest Diagnostics Nichols Institute San Juan Capistrano); PubMed 31447099 (cited by Quest Diagnostics Nichols Institute San Juan Capistrano and Laboratory for Molecular Medicine, Mass General Brigham Personalized Medicine); PubMed 32242007 (cited by Quest Diagnostics Nichols Institute San Juan Capistrano); PubMed 32546831 (cited by Quest Diagnostics Nichols Institute San Juan Capistrano); PubMed 32885271 (cited by Quest Diagnostics Nichols Institute San Juan Capistrano); PubMed 34399810 (cited by Quest Diagnostics Nichols Institute San Juan Capistrano and Laboratory for Molecular Medicine, Mass General Brigham Personalized Medicine); PubMed 37461096 (cited by Quest Diagnostics Nichols Institute San Juan Capistrano); PubMed 28454591 (cited by Quest Diagnostics Nichols Institute San Juan Capistrano); PubMed 32853339 (cited by Laboratory for Molecular Medicine, Mass General Brigham Personalized Medicine).